The following is an entry in ClinVar:

NM_001134673.4(NFIA):c.983A>G (p.Lys328Arg)

Gene: NFIA (nuclear factor I A; plus strand). Cytogenetic location: 1p31.3.
Variant type: single nucleotide variant.
Coding change: c.983A>G on transcript NM_001134673.4 (MANE Select); coding-DNA position 983, A replaced by G.
Protein change: p.Lys328Arg; replaces lysine 328 with arginine.
Molecular consequence: missense variant.
Genome position (GRCh38, 1-based): chr1:61,383,273, A>G. VCF-style: chr1-61383273-A-G. GRCh37 (hg19) VCF-style: chr1-61848945-A-G.
Other names: c.959A>G, p.Lys320Arg (NM_001145511.2); c.1118A>G, p.Lys373Arg (NM_001145512.2); c.983A>G, p.Lys328Arg (NM_005595.5); short protein forms K320R, K328R, K373R.
Identifiers: ClinVar variation 3907854 (VCV003907854.1).

ClinVar aggregate classification (germline): Uncertain significance (1 of 4 stars; one submission).

Submission:

GeneDx
Classification: Uncertain significance. Last evaluated: 2024-12-21. Review status: criteria provided, single submitter. Criteria: GeneDx Variant Classification Process June 2021. Collection method: clinical testing. Allele origin: germline. Affected: yes.
Comment: Not observed at significant frequency in large population cohorts (gnomAD); In silico analysis indicates that this missense variant does not alter protein structure/function; Has not been previously published as pathogenic or benign to our knowledge